The following is an entry in ClinVar:

ClinVar aggregate classification (germline): Uncertain significance (1 of 4 stars; one submission).

Allele frequency attached by ClinVar (database versions not stated): gnomAD 0.00001.
gnomAD v4.1: 1 of 1,613,978 alleles (0.000062%); highest among the groups gnomAD compares: East Asian, 0.0022%; no homozygotes.

Submission:

Labcorp Genetics (formerly Invitae), Labcorp
Classification: Uncertain significance. Last evaluated: 2025-11-03. Review status: criteria provided, single submitter. Criteria: Invitae Variant Classification Sherloc (09022015). Collection method: clinical testing. Allele origin: germline.
Comment: This sequence change replaces asparagine, which is neutral and polar, with serine, which is neutral and polar, at codon 871 of the TET2 protein (p.Asn871Ser). This variant is present in population databases (no rsID available, gnomAD 0.06%). This variant has not been reported in the literature in individuals affected with TET2-related conditions. ClinVar contains an entry for this variant (Variation ID: 2701611). An algorithm developed to predict the effect of missense changes on protein structure and function outputs the following: PolyPhen-2: "Benign". The serine amino acid residue is found in multiple mammalian species, which suggests that this missense change does not adversely affect protein function. In summary, the available evidence is currently insufficient to determine the role of this variant in disease. Therefore, it has been classified as a Variant of Uncertain Significance.

NM_001127208.3(TET2):c.2612A>G (p.Asn871Ser)

Genes: TET2 (tet methylcytosine dioxygenase 2; plus strand), TET2-AS1 (TET2 antisense RNA 1; minus strand). Cytogenetic location: 4q24.
Variant type: single nucleotide variant.
Coding change: c.2612A>G on transcript NM_001127208.3 (MANE Select); coding-DNA position 2612, A replaced by G.
Protein change: p.Asn871Ser; replaces asparagine 871 with serine.
Molecular consequence: missense variant.
Genome position (GRCh38, 1-based): chr4:105,236,554, A>G. VCF-style: chr4-105236554-A-G. GRCh37 (hg19) VCF-style: chr4-106157711-A-G.
Other names: c.2612A>G, p.Asn871Ser (NM_017628.4); short protein forms N871S.
Identifiers: ClinVar variation 2701611 (VCV002701611.3), dbSNP rs1365636726, ClinGen allele CA357799802.